The following is an entry in ClinVar:

NM_002474.3(MYH11):c.487C>T (p.Arg163Trp)

Gene: MYH11 (myosin heavy chain 11; minus strand). Cytogenetic location: 16p13.11.
Variant type: single nucleotide variant.
Coding change: c.487C>T on transcript NM_002474.3 (MANE Select); coding-DNA position 487, C replaced by T.
Protein change: p.Arg163Trp; replaces arginine 163 with tryptophan.
Molecular consequence: missense variant.
Genome position (GRCh38, 1-based): chr16:15,823,270, G>A on the plus strand (C>T on the coding strand, the complement: MYH11 is on the minus strand). VCF-style: chr16-15823270-G-A. GRCh37 (hg19) VCF-style: chr16-15917127-G-A.
Other names: c.487C>T, p.Arg163Trp (NM_001040113.2, NM_001040114.2, NM_022844.3); short protein forms R163W.
Identifiers: ClinVar variation 519959 (VCV000519959.22), dbSNP rs759409339, ClinGen allele CA7923037.

ClinVar aggregate classification (germline): Uncertain significance. Review status: criteria provided, multiple submitters, no conflicts (2 of 4 stars). 7 submissions from 7 submitters: Uncertain significance (7). Last evaluated 2026-01-21.

Conditions:
Aortic aneurysm, familial thoracic 4 (AAT4). Also called: AORTIC ANEURYSM/AORTIC DISSECTION AND PATENT DUCTUS ARTERIOSUS. Identifiers: MedGen C1851504, MONDO:0007568, OMIM 132900.
Familial thoracic aortic aneurysm and aortic dissection (TAAD). Also called: Thoracic aortic aneurysms and dissections. Identifiers: Orphanet 91387, MedGen C4707243, MONDO:0019625.
Visceral myopathy 2. Identifiers: MedGen C5543466, MONDO:0859157, OMIM 619350.
Megacystis-microcolon-intestinal hypoperistalsis syndrome 2. Identifiers: MedGen C5543476, MONDO:0025708, OMIM 619351.

Allele frequency attached by ClinVar (database versions not stated): ExAC 0.00002; gnomAD 0.00002; gnomAD exomes 0.00003 and 0.00004.

Submissions (7):

Labcorp Genetics (formerly Invitae), Labcorp
Classification: Uncertain significance for Aortic aneurysm, familial thoracic 4. Last evaluated: 2026-01-21. Review status: criteria provided, single submitter. Criteria: Invitae Variant Classification Sherloc (09022015). Collection method: clinical testing. Allele origin: germline.
Comment: This sequence change replaces arginine, which is basic and polar, with tryptophan, which is neutral and slightly polar, at codon 163 of the MYH11 protein (p.Arg163Trp). The frequency data for this variant in the population databases is considered unreliable, as metrics indicate poor data quality at this position in the gnomAD database. This missense change has been observed in individual(s) with clinical features of MYH11-related conditions (PMID: 34498425). ClinVar contains an entry for this variant (Variation ID: 519959). Invitae Evidence Modeling of protein sequence and biophysical properties (such as structural, functional, and spatial information, amino acid conservation, physicochemical variation, residue mobility, and thermodynamic stability) has been performed for this missense variant. However, the output from this modeling did not meet the statistical confidence thresholds required to predict the impact of this variant on MYH11 protein function. In summary, the available evidence is currently insufficient to determine the role of this variant in disease. Therefore, it has been classified as a Variant of Uncertain Significance.

Ambry Genetics
Classification: Uncertain significance for Familial thoracic aortic aneurysm and aortic dissection. Last evaluated: 2025-03-07. Review status: criteria provided, single submitter. Criteria: Ambry Variant Classification Scheme 2023. Collection method: clinical testing. Allele origin: germline.
Comment: The p.R163W variant (also known as c.487C>T), located in coding exon 2 of the MYH11 gene, results from a C to T substitution at nucleotide position 487. The arginine at codon 163 is replaced by tryptophan, an amino acid with dissimilar properties. This amino acid position is highly conserved in available vertebrate species. In addition, this alteration is predicted to be deleterious by in silico analysis. Since supporting evidence is limited at this time, the clinical significance of this alteration remains unclear.

All of Us Research Program, National Institutes of Health
Classification: Uncertain significance for Familial thoracic aortic aneurysm and aortic dissection. Last evaluated: 2024-09-23. Review status: criteria provided, single submitter. Criteria: ACMG Guidelines, 2015. Collection method: clinical testing. Allele origin: germline. Inheritance: Autosomal dominant inheritance. Observed: 10 variant alleles, 10 heterozygotes.
Comment: This missense variant replaces arginine with tryptophan at codon 163 of the MYH11 protein. Computational prediction suggests that this variant may have deleterious impact on protein structure and function (internally defined REVEL score threshold >= 0.7, PMID: 27666373). To our knowledge, functional studies have not been reported for this variant. This variant has not been reported in individuals affected with cardiovascular disorders in the literature. This variant has been identified in 12/282820 chromosomes in the general population by the Genome Aggregation Database (gnomAD). The available evidence is insufficient to determine the role of this variant in disease conclusively. Therefore, this variant is classified as a Variant of Uncertain Significance.

This study involves interpretation of variants in research participants for the purpose of population health screening. Participant phenotype was not available at the time of variant classification. Additional details can be found in publication PMID: 35346344, PMCID: PMC8962531

Color Diagnostics, LLC DBA Color Health
Classification: Uncertain significance for Familial thoracic aortic aneurysm and aortic dissection. Last evaluated: 2024-03-06. Review status: criteria provided, single submitter. Criteria: ACMG Guidelines, 2015. Collection method: clinical testing. Allele origin: germline.
Comment: This missense variant replaces arginine with tryptophan at codon 163 of the MYH11 protein. Computational prediction suggests that this variant may have deleterious impact on protein structure and function (internally defined REVEL score threshold >= 0.7, PMID: 27666373). To our knowledge, functional studies have not been reported for this variant. This variant has not been reported in individuals affected with cardiovascular disorders in the literature. This variant has been identified in 12/282820 chromosomes in the general population by the Genome Aggregation Database (gnomAD). The available evidence is insufficient to determine the role of this variant in disease conclusively. Therefore, this variant is classified as a Variant of Uncertain Significance.

GeneDx
Classification: Uncertain significance. Last evaluated: 2022-07-01. Review status: criteria provided, single submitter. Criteria: GeneDx Variant Classification Process June 2021. Collection method: clinical testing. Allele origin: germline. Affected: yes.
Comment: Identified in a patient with an unspecified aortic phenotype who also harbored a variant in the MYLK gene (Li et al., 2021); In silico analysis supports that this missense variant has a deleterious effect on protein structure/function; This variant is associated with the following publications: (PMID: 34498425)

CHEO Genetics Diagnostic Laboratory, Children's Hospital of Eastern Ontario
Classification: Uncertain significance for Familial thoracic aortic aneurysm and aortic dissection. Last evaluated: 2022-02-24. Review status: criteria provided, single submitter. Criteria: ACMG Guidelines, 2015. Collection method: clinical testing. Allele origin: germline.

Fulgent Genetics
Classification: Uncertain significance for Aortic aneurysm, familial thoracic 4; Visceral myopathy 2; Megacystis-microcolon-intestinal hypoperistalsis syndrome 2. Last evaluated: 2021-07-21. Review status: criteria provided, single submitter. Criteria: ACMG Guidelines, 2015. Collection method: clinical testing. Allele origin: unknown.

Literature cited by the submitters: PubMed 34498425 (cited by Labcorp Genetics (formerly Invitae), Labcorp and Ambry Genetics).